The following is an entry in ClinVar:

NM_000336.3(SCNN1B):c.1850C>G (p.Pro617Arg)

Gene: SCNN1B (sodium channel epithelial 1 subunit beta; plus strand). Cytogenetic location: 16p12.2.
Variant type: single nucleotide variant.
Coding change: c.1850C>G on transcript NM_000336.3 (MANE Select); coding-DNA position 1850, C replaced by G.
Protein change: p.Pro617Arg; replaces proline 617 with arginine.
Molecular consequence: missense variant.
Genome position (GRCh38, 1-based): chr16:23,380,728, C>G. VCF-style: chr16-23380728-C-G. GRCh37 (hg19) VCF-style: chr16-23392049-C-G.
Other names: c.1742C>G, p.Pro581Arg (NM_001410900.1); short protein forms P617R, P581R.
Identifiers: ClinVar variation 2086969 (VCV002086969.4), dbSNP rs2506514869, ClinGen allele CA395114032.

ClinVar aggregate classification (germline): Uncertain significance (1 of 4 stars; one submission).

Submission:

Labcorp Genetics (formerly Invitae), Labcorp
Classification: Uncertain significance. Last evaluated: 2022-01-17. Review status: criteria provided, single submitter. Criteria: Invitae Variant Classification Sherloc (09022015). Collection method: clinical testing. Allele origin: germline.
Comment: In summary, the available evidence is currently insufficient to determine the role of this variant in disease. Therefore, it has been classified as a Variant of Uncertain Significance. This variant disrupts the p.Pro617 amino acid residue in SCNN1B. Other variant(s) that disrupt this residue have been determined to be pathogenic (PMID: 21525970, 25210634). This suggests that this residue is clinically significant, and that variants that disrupt this residue are likely to be disease-causing. Algorithms developed to predict the effect of missense changes on protein structure and function are either unavailable or do not agree on the potential impact of this missense change (SIFT: "Tolerated"; PolyPhen-2: "Probably Damaging"; Align-GVGD: "Class C0"). This variant has not been reported in the literature in individuals affected with SCNN1B-related conditions. This variant is not present in population databases (gnomAD no frequency). This sequence change replaces proline, which is neutral and non-polar, with arginine, which is basic and polar, at codon 617 of the SCNN1B protein (p.Pro617Arg).

Literature cited by the submitters: PubMed 21525970; PubMed 25210634.